The following is an entry in ClinVar:

NC_000001.10:g.(?_53427155)_(53427321_?)dup

Gene: SCP2 (sterol carrier protein 2; plus strand). Cytogenetic location: 1p32.3.
Variant type: Duplication.
Identifiers: ClinVar variation 3247944 (VCV003247944.1).

ClinVar aggregate classification (germline): Likely pathogenic (1 of 4 stars; one submission).

Submission:

Labcorp Genetics (formerly Invitae), Labcorp
Classification: Likely pathogenic. Last evaluated: 2023-08-05. Review status: criteria provided, single submitter. Criteria: Invitae Variant Classification Sherloc (09022015). Collection method: clinical testing. Allele origin: unknown.
Comment: In summary, the currently available evidence indicates that the variant is pathogenic, but additional data are needed to prove that conclusively. Therefore, this variant has been classified as Likely Pathogenic. This variant has not been reported in the literature in individuals affected with SCP2-related conditions. This variant results in a copy number gain of the genomic region encompassing exon(s) 6 of the SCP2 gene. While the exact position of this variant cannot be determined from the data, sub-genic copy number gains are generally in tandem (PMID: 25640679). This variant is predicted to be out-of-frame, and may result in an absent or disrupted protein product. Loss-of-function variants in SCP2 are known to be pathogenic (PMID: 16685654, 26497993).

Literature cited by the submitters: PubMed 25640679; PubMed 16685654; PubMed 26497993.